The following is an entry in ClinVar:

ClinVar aggregate classification (germline): Uncertain significance (1 of 4 stars; one submission).

Conditions:
Intellectual developmental disorder, X-linked 1. Also called: Atkin Flaitz Patil Smith syndrome; MENTAL RETARDATION, X-LINKED 18; MENTAL RETARDATION, X-LINKED 78; Intellectual disability, X-linked 1. Identifiers: Orphanet 777, MedGen C2931498, MONDO:0010656, OMIM 309530.

Submission:

Labcorp Genetics (formerly Invitae), Labcorp
Classification: Uncertain significance for Intellectual developmental disorder, X-linked 1. Last evaluated: 2025-12-28. Review status: criteria provided, single submitter. Criteria: Invitae Variant Classification Sherloc (09022015). Collection method: clinical testing. Allele origin: germline.
Comment: This sequence change replaces arginine, which is basic and polar, with serine, which is neutral and polar, at codon 574 of the IQSEC2 protein (p.Arg574Ser). This variant is not present in population databases (gnomAD no frequency). This variant has not been reported in the literature in individuals affected with IQSEC2-related conditions. Invitae Evidence Modeling of protein sequence and biophysical properties (such as structural, functional, and spatial information, amino acid conservation, physicochemical variation, residue mobility, and thermodynamic stability) indicates that this missense variant is not expected to disrupt IQSEC2 protein function with a negative predictive value of 95%. In summary, the available evidence is currently insufficient to determine the role of this variant in disease. Therefore, it has been classified as a Variant of Uncertain Significance.

NM_001111125.3(IQSEC2):c.1722G>T (p.Arg574Ser)

Gene: IQSEC2 (IQ motif and Sec7 domain ArfGEF 2; minus strand). Cytogenetic location: Xp11.22.
Variant type: single nucleotide variant.
Coding change: c.1722G>T on transcript NM_001111125.3 (MANE Select); coding-DNA position 1722, G replaced by T.
Protein change: p.Arg574Ser; replaces arginine 574 with serine.
Molecular consequence: missense variant.
Genome position (GRCh38, 1-based): chrX:53,250,854, C>A on the plus strand (G>T on the coding strand, the complement: IQSEC2 is on the minus strand). VCF-style: chrX-53250854-C-A. GRCh37 (hg19) VCF-style: chrX-53280036-C-A.
Other names: c.1722G>T, p.Arg574Ser (NM_001410736.1, NM_001441092.1); c.1224G>T, p.Arg408Ser (NM_001441093.1); c.1011G>T, p.Arg337Ser (NM_001441094.1, NM_001441095.1); c.1107G>T, p.Arg369Ser (NM_015075.2); short protein forms R337S, R369S, R408S, R574S.
Identifiers: ClinVar variation 4801021 (VCV004801021.1).